The following is an entry in ClinVar:

NM_024665.7(TBL1XR1):c.845T>C (p.Leu282Pro)

Genes: TBL1XR1-AS1 (TBL1XR1 antisense RNA 1; plus strand), TBL1XR1 (TBL1X/Y related 1; minus strand). Cytogenetic location: 3q26.32.
Variant type: single nucleotide variant.
Coding change: c.845T>C on transcript NM_024665.7 (MANE Select); coding-DNA position 845, T replaced by C.
Protein change: p.Leu282Pro; replaces leucine 282 with proline.
Molecular consequence: missense variant.
Genome position (GRCh38, 1-based): chr3:177,047,319, A>G on the plus strand (T>C on the coding strand, the complement: TBL1XR1 is on the minus strand). VCF-style: chr3-177047319-A-G. GRCh37 (hg19) VCF-style: chr3-176765107-A-G.
Other names: L282P; c.845T>C, p.Leu282Pro (NM_001321193.3, NM_001321194.3, NM_001374327.1 and 2 more transcripts); c.584T>C, p.Leu195Pro (NM_001321195.3, NM_001374330.1); short protein forms L195P.
Identifiers: ClinVar variation 225871 (VCV000225871.3), dbSNP rs1716457622, ClinGen allele CA355552019.

ClinVar aggregate classification (germline): Likely pathogenic. Review status: criteria provided, single submitter (1 of 4 stars). 2 submissions from 2 submitters: Likely pathogenic (1). 1 of the submissions does not count toward it. Last evaluated 2023-01-30.

Conditions:
TBL1XR1-related neurodevelopmental disorder.
Intellectual developmental disorder, autosomal dominant 41. Also called: Intellectual disability, autosomal dominant 41. Identifiers: Orphanet 2823, MedGen C4310784, MONDO:0014842, OMIM 616944.

Submissions (2):

Clinical Genomics Laboratory, Stanford Medicine
Classification: Likely pathogenic for TBL1XR1-related neurodevelopmental disorder. Last evaluated: 2023-01-30. Review status: criteria provided, single submitter. Criteria: ACMG Guidelines, 2015. Collection method: clinical testing. Allele origin: de novo. Inheritance: Autosomal dominant inheritance. Affected: yes. Observed: 1 variant allele, 1 heterozygote.
Comment: The p.Leu282Pro variant in the TBL1XR1 gene has been previously reported de novo in 1 individual with autism spectrum disorder (O'Roak et al., 2012). This variant was absent from large population databases, including the Genome Aggregation Database. The TBL1XR1 gene has fewer missense variants in the general population than expected. A low rate of missense variation may suggest that this gene is intolerant to missense variation. Computational tools predict that this variant is deleterious; however, the accuracy of in silico algorithms is limited. These data were assessed using the ACMG/AMP variant interpretation guidelines. In summary, there is sufficient evidence to classify the p.Leu282Pro variant as likely pathogenic for TBL1XR1-associated neurodevelopmental disorder in an autosomal dominant manner based on the information above. [ACMG evidence codes used: PS2_Moderate; PM2; PP2; PP3]

OMIM
Classification: Pathogenic for INTELLECTUAL DEVELOPMENTAL DISORDER, AUTOSOMAL DOMINANT 41. Last evaluated: 2012-12-21. Review status: no assertion criteria provided. Collection method: literature only. Allele origin: germline. Not counted in ClinVar's aggregate classification.

Literature cited by the submitters: PubMed 22495309 (cited by Clinical Genomics Laboratory, Stanford Medicine and OMIM); PubMed 23160955 (cited by OMIM).